The following is an entry in ClinVar:

NM_000211.5(ITGB2):c.392A>C (p.Tyr131Ser)

Gene: ITGB2 (integrin subunit beta 2; minus strand). Cytogenetic location: 21q22.3.
Variant type: single nucleotide variant.
Coding change: c.392A>C on transcript NM_000211.5 (MANE Select); coding-DNA position 392, A replaced by C.
Protein change: p.Tyr131Ser; replaces tyrosine 131 with serine.
Molecular consequence: missense variant.
Genome position (GRCh38, 1-based): chr21:44,903,472, T>G on the plus strand (A>C on the coding strand, the complement: ITGB2 is on the minus strand). VCF-style: chr21-44903472-T-G. GRCh37 (hg19) VCF-style: chr21-46323387-T-G.
Other names: c.392A>C, p.Tyr131Ser (NM_001127491.3); c.185A>C, p.Tyr62Ser (NM_001303238.2); short protein forms Y62S, Y131S.
Identifiers: ClinVar variation 4710605 (VCV004710605.1).

ClinVar aggregate classification (germline): Uncertain significance (1 of 4 stars; one submission).

Conditions:
Leukocyte adhesion deficiency 1 (LAD1). Also called: LEUKOCYTE ADHESION DEFICIENCY, TYPE I; LAD 1; Lymphocyte function-associated antigen 1 immunodeficiency; LFA 1 immunodeficiency. Identifiers: Orphanet 2968, Orphanet 99842, MedGen C0398738, MONDO:0007293, OMIM 116920.

gnomAD v4.1: 4 of 1,613,978 alleles (0.00025%); highest among the groups gnomAD compares: African/African-American, 0.0027%; no homozygotes.

Submission:

Labcorp Genetics (formerly Invitae), Labcorp
Classification: Uncertain significance for Leukocyte adhesion deficiency 1. Last evaluated: 2025-11-16. Review status: criteria provided, single submitter. Criteria: Invitae Variant Classification Sherloc (09022015). Collection method: clinical testing. Allele origin: germline.
Comment: This sequence change replaces tyrosine, which is neutral and polar, with serine, which is neutral and polar, at codon 131 of the ITGB2 protein (p.Tyr131Ser). This variant is present in population databases (rs769766182, gnomAD 0.007%). This missense change has been observed in individual(s) with leukocyte adhesion deficiency (PMID: 17875809). Invitae Evidence Modeling of protein sequence and biophysical properties (such as structural, functional, and spatial information, amino acid conservation, physicochemical variation, residue mobility, and thermodynamic stability) has been performed for this missense variant. However, the output from this modeling did not meet the statistical confidence thresholds required to predict the impact of this variant on ITGB2 protein function. In summary, the available evidence is currently insufficient to determine the role of this variant in disease. Therefore, it has been classified as a Variant of Uncertain Significance.

Literature cited by the submitters: PubMed 17875809.